The following is an entry in ClinVar:

NM_001127222.2(CACNA1A):c.2840del (p.Pro947fs)

Gene: CACNA1A (calcium voltage-gated channel subunit alpha1 A; minus strand). Cytogenetic location: 19p13.13.
Variant type: Deletion.
Coding change: c.2840del on transcript NM_001127222.2 (MANE Select); coding-DNA position 2840, one base deleted (C; older notation c.2840delC).
Protein change: p.Pro947fs; shifts the reading frame from proline 947.
Molecular consequence: frameshift variant.
Genome position (GRCh38, 1-based): chr19:13,298,793, G deleted on the plus strand (C on the coding strand, the reverse complement: CACNA1A is on the minus strand); the first of 4 consecutive G bases (chr19:13,298,793-13,298,796); deleting any one gives the same sequence. VCF-style (leftmost placement, unchanged base first): chr19-13298792-CG-C. GRCh37 (hg19) VCF-style: chr19-13409606-CG-C.
Other names: c.2852del, p.Pro951fs (NM_000068.4, NM_023035.3); c.2843del, p.Pro948fs (NM_001127221.2, NM_001174080.2); short protein forms P951fs, P948fs, P947fs.
Identifiers: ClinVar variation 1373236 (VCV001373236.6), dbSNP rs2144954299, ClinGen allele CA2573156121.

ClinVar aggregate classification (germline): Pathogenic (1 of 4 stars; one submission).

Conditions:
Episodic ataxia type 2 (EA2). Also called: ATAXIA, EPISODIC, WITH NYSTAGMUS; ATAXIA, FAMILIAL PAROXYSMAL; CEREBELLAR ATAXIA, PAROXYSMAL, ACETAZOLAMIDE-RESPONSIVE; CEREBELLOPATHY, HEREDITARY PAROXYSMAL; EPISODIC ATAXIA, NYSTAGMUS-ASSOCIATED; ACETAZOLAMIDE-RESPONSIVE HEREDITARY PAROXYSMAL CEREBELLAR ATAXIA. Identifiers: Orphanet 97, MedGen C1720416, MONDO:0007163, OMIM 108500.
Developmental and epileptic encephalopathy, 42 (DEE42A). Also called: DEVELOPMENTAL AND EPILEPTIC ENCEPHALOPATHY 42A; EPILEPTIC ENCEPHALOPATHY, EARLY INFANTILE, 42A; Epileptic encephalopathy, early infantile, 42. Identifiers: MedGen C4310716, MONDO:0014917, OMIM 617106.

Submission:

Labcorp Genetics (formerly Invitae), Labcorp
Classification: Pathogenic for Developmental and epileptic encephalopathy, 42; Episodic ataxia type 2. Last evaluated: 2022-02-10. Review status: criteria provided, single submitter. Criteria: Invitae Variant Classification Sherloc (09022015). Collection method: clinical testing. Allele origin: germline.
Comment: This sequence change creates a premature translational stop signal (p.Pro948Argfs*122) in the CACNA1A gene. It is expected to result in an absent or disrupted protein product. Loss-of-function variants in CACNA1A are known to be pathogenic (PMID: 10371528, 19486177, 25735478, 27250579). This variant is not present in population databases (gnomAD no frequency). This variant has not been reported in the literature in individuals affected with CACNA1A-related conditions. For these reasons, this variant has been classified as Pathogenic.

Literature cited by the submitters: PubMed 10371528; PubMed 19486177; PubMed 25735478; PubMed 27250579.